The following is an entry in ClinVar:

NM_139058.3(ARX):c.239A>G (p.His80Arg)

Gene: ARX (aristaless related homeobox; minus strand). Cytogenetic location: Xp21.3.
Variant type: single nucleotide variant.
Coding change: c.239A>G on transcript NM_139058.3 (MANE Select); coding-DNA position 239, A replaced by G.
Protein change: p.His80Arg; replaces histidine 80 with arginine.
Molecular consequence: missense variant.
Genome position (GRCh38, 1-based): chrX:25,013,756, T>C on the plus strand (A>G on the coding strand, the complement: ARX is on the minus strand). VCF-style: chrX-25013756-T-C. GRCh37 (hg19) VCF-style: chrX-25031873-T-C.
Other names: c.239A>G (NM_139058.2); short protein forms H80R.
Identifiers: ClinVar variation 2952339 (VCV002952339.4), dbSNP rs2519107882, ClinGen allele CA412613584.

ClinVar aggregate classification (germline): Uncertain significance. Review status: criteria provided, multiple submitters, no conflicts (2 of 4 stars). 2 submissions from 2 submitters: Uncertain significance (2). Last evaluated 2025-05-05.

Conditions:
Intellectual disability, X-linked, with or without seizures, ARX-related. Also called: Mental retardation, X-linked 52; INTELLECTUAL DEVELOPMENTAL DISORDER, X-LINKED 29; MENTAL RETARDATION, X-LINKED 29; MENTAL RETARDATION, X-LINKED 32; MENTAL RETARDATION, X-LINKED 33; MENTAL RETARDATION, X-LINKED 38. Identifiers: Orphanet 777, MedGen C0796244, MONDO:0010317, OMIM 300419.
Developmental and epileptic encephalopathy, 1 (DEE1). Also called: Epileptic encephalopathy, early infantile, 1; X-linked infantile spasms; West's syndrome; Tonic spasms with clustering, arrest of psychomotor development and hypsarrhythmia on EEG; X-Linked Infantile Spasm Syndrome; OHTAHARA SYNDROME, X-LINKED. Identifiers: MedGen C3463992, MONDO:0010632, OMIM 308350. Disease mechanism: loss of function.

Submissions (2):

Labcorp Genetics (formerly Invitae), Labcorp
Classification: Uncertain significance for Developmental and epileptic encephalopathy, 1; Intellectual disability, X-linked, with or without seizures, ARX-related. Last evaluated: 2025-05-05. Review status: criteria provided, single submitter. Criteria: Invitae Variant Classification Sherloc (09022015). Collection method: clinical testing. Allele origin: germline.
Comment: This sequence change replaces histidine, which is basic and polar, with arginine, which is basic and polar, at codon 80 of the ARX protein (p.His80Arg). The frequency data for this variant in the population databases is considered unreliable, as metrics indicate insufficient coverage at this position in the gnomAD database. This variant has not been reported in the literature in individuals affected with ARX-related conditions. ClinVar contains an entry for this variant (Variation ID: 2952339). Invitae Evidence Modeling of protein sequence and biophysical properties (such as structural, functional, and spatial information, amino acid conservation, physicochemical variation, residue mobility, and thermodynamic stability) indicates that this missense variant is not expected to disrupt ARX protein function with a negative predictive value of 95%. In summary, the available evidence is currently insufficient to determine the role of this variant in disease. Therefore, it has been classified as a Variant of Uncertain Significance.

GeneDx
Classification: Uncertain significance. Last evaluated: 2025-01-05. Review status: criteria provided, single submitter. Criteria: GeneDx Variant Classification Process June 2021. Collection method: clinical testing. Allele origin: germline. Affected: yes.
Comment: In silico analysis supports that this missense variant has a deleterious effect on protein structure/function; Not observed at significant frequency in large population cohorts (gnomAD); Has not been previously published as pathogenic or benign to our knowledge